The following is an entry in ClinVar:

ClinVar aggregate classification (germline): Likely benign. Review status: criteria provided, multiple submitters, no conflicts (2 of 4 stars). 5 submissions from 5 submitters: Likely benign (5). Last evaluated 2025-12-23.

Conditions:
Hypertrophic cardiomyopathy. Also called: HYPERTROPHIC MYOCARDIOPATHY. Identifiers: Orphanet 217569, MedGen C0007194, MeSH D002312, MONDO:0005045, HP:0001639.
Cardiovascular phenotype. Identifiers: MedGen CN230736.
Cardiomyopathy (CMYO). Also called: Cardiomyopathies. Identifiers: Orphanet 167848, MedGen C0878544, MONDO:0004994, HP:0001638. Inheritance: Various modes of inheritance.

Allele frequency attached by ClinVar (database versions not stated): gnomAD exomes below 0.00001; ExAC 0.00001; gnomAD 0.00002; TOPMed 0.00009; 1000 Genomes Project 30x 0.00016; 1000 Genomes Project 0.00020.
gnomAD v4.1: 6 of 1,614,238 alleles (0.00037%); highest among the groups gnomAD compares: Admixed American, 0.005%; no homozygotes.

Submissions (5):

Labcorp Genetics (formerly Invitae), Labcorp
Classification: Likely benign for Hypertrophic cardiomyopathy. Last evaluated: 2025-12-23. Review status: criteria provided, single submitter. Criteria: Invitae Variant Classification Sherloc (09022015). Collection method: clinical testing. Allele origin: germline.

All of Us Research Program, National Institutes of Health
Classification: Likely benign for Cardiomyopathy. Last evaluated: 2023-12-18. Review status: criteria provided, single submitter. Criteria: ACMG Guidelines, 2015. Collection method: clinical testing. Allele origin: germline. Inheritance: Autosomal dominant inheritance. Observed: 8 variant alleles, 8 heterozygotes.
Comment: This study involves interpretation of variants in research participants for the purpose of population health screening. Participant phenotype was not available at the time of variant classification. Additional details can be found in publication PMID: 35346344, PMCID: PMC8962531

Ambry Genetics
Classification: Likely benign for Cardiovascular phenotype. Last evaluated: 2023-07-07. Review status: criteria provided, single submitter. Criteria: Ambry Variant Classification Scheme 2023. Collection method: clinical testing. Allele origin: germline.

GeneDx
Classification: Likely benign. Last evaluated: 2018-12-21. Review status: criteria provided, single submitter. Criteria: GeneDx Variant Classification Process June 2021. Collection method: clinical testing. Allele origin: germline. Affected: yes.

Color Diagnostics, LLC DBA Color Health
Classification: Likely benign for Cardiomyopathy. Last evaluated: 2018-11-25. Review status: criteria provided, single submitter. Criteria: ACMG Guidelines, 2015. Collection method: clinical testing. Allele origin: germline.

NM_000257.4(MYH7):c.2854A>C (p.Arg952=)

Gene: MYH7 (myosin heavy chain 7; minus strand). Cytogenetic location: 14q11.2.
Variant type: single nucleotide variant.
Coding change: c.2854A>C on transcript NM_000257.4 (MANE Select); coding-DNA position 2854, A replaced by C.
Protein change: p.Arg952=; no amino-acid change (arginine 952 retained).
Molecular consequence: synonymous variant.
Genome position (GRCh38, 1-based): chr14:23,423,975, T>G on the plus strand (A>C on the coding strand, the complement: MYH7 is on the minus strand). VCF-style: chr14-23423975-T-G. GRCh37 (hg19) VCF-style: chr14-23893184-T-G.
Identifiers: ClinVar variation 918332 (VCV000918332.15), dbSNP rs529099974, ClinGen allele CA034446.